The following is an entry in ClinVar:

ClinVar aggregate classification (germline): Benign. Review status: criteria provided, multiple submitters, no conflicts (2 of 4 stars). 8 submissions from 7 submitters: Benign (8). Last evaluated 2026-02-03.

Conditions:
Developmental and epileptic encephalopathy, 1 (DEE1). Also called: OHTAHARA SYNDROME, X-LINKED; Epileptic encephalopathy, early infantile, 1; INFANTILE SPASM SYNDROME, X-LINKED 1; X-linked infantile spasms; West's syndrome; Tonic spasms with clustering, arrest of psychomotor development and hypsarrhythmia on EEG. Identifiers: MedGen C3463992, MONDO:0010632, OMIM 308350. Disease mechanism: loss of function.
Autosomal recessive spinocerebellar ataxia 12. Also called: SPINOCEREBELLAR ATAXIA WITH MENTAL RETARDATION AND EPILEPSY. Identifiers: Orphanet 284282, MedGen C3280452, MONDO:0013687, OMIM 614322.
Developmental and epileptic encephalopathy, 28 (DEE28). Also called: Epileptic encephalopathy, early infantile, 28. Identifiers: Orphanet 442835, MedGen C4015519, MONDO:0014533, OMIM 616211.

Allele frequency attached by ClinVar (database versions not stated): gnomAD exomes 0.00561 and 0.00203; ExAC 0.00710; gnomAD 0.02279 and 0.02435; 1000 Genomes Project 0.02796; ESP Exome Variant Server 0.02184; 1000 Genomes Project 30x 0.03061; TOPMed 0.02601.
gnomAD v4.1: 6,573 of 1,614,010 alleles (0.41%); highest among the groups gnomAD compares: African/African-American, 7.6%; 232 homozygotes.

Submissions (8):

Labcorp Genetics (formerly Invitae), Labcorp
Classification: Benign for Developmental and epileptic encephalopathy, 1; Autosomal recessive spinocerebellar ataxia 12. Last evaluated: 2026-02-03. Review status: criteria provided, single submitter. Criteria: Invitae Variant Classification Sherloc (09022015). Collection method: clinical testing. Allele origin: germline.

Athena Diagnostics
Classification: Benign. Last evaluated: 2023-11-02. Review status: criteria provided, single submitter. Criteria: Athena Diagnostics Criteria. Collection method: clinical testing. Allele origin: unknown.

Genome-Nilou Lab
Classification: Benign for Developmental and epileptic encephalopathy, 28. Last evaluated: 2021-12-05. Review status: criteria provided, single submitter. Criteria: ACMG Guidelines, 2015. Collection method: clinical testing. Allele origin: germline. Affected: no.

Genome-Nilou Lab
Classification: Benign for Autosomal recessive spinocerebellar ataxia 12. Last evaluated: 2021-12-05. Review status: criteria provided, single submitter. Criteria: ACMG Guidelines, 2015. Collection method: clinical testing. Allele origin: germline. Affected: no.

Mayo Clinic Laboratories, Mayo Clinic
Classification: Benign. Last evaluated: 2018-08-14. Review status: criteria provided, single submitter. Criteria: ACMG Guidelines, 2015. Collection method: clinical testing. Allele origin: germline. Observed: 10 variant alleles.

GeneDx
Classification: Benign. Last evaluated: 2016-02-05. Review status: criteria provided, single submitter. Criteria: GeneDx Variant Classification (06012015). Collection method: clinical testing. Allele origin: germline. Affected: yes.
Comment: This variant is considered likely benign or benign based on one or more of the following criteria: it is a conservative change, it occurs at a poorly conserved position in the protein, it is predicted to be benign by multiple in silico algorithms, and/or has population frequency not consistent with disease.

Breakthrough Genomics
Classification: Benign. Review status: criteria provided, single submitter. Criteria: ACMG Guidelines, 2015. Collection method: not provided. Allele origin: germline. Inheritance: Autosomal recessive inheritance. Affected: yes.

PreventionGenetics, part of Exact Sciences
Classification: Benign. Review status: criteria provided, single submitter. Criteria: ACMG Guidelines, 2015. Collection method: clinical testing. Allele origin: germline.

NM_016373.4(WWOX):c.547G>A (p.Asp183Asn)

Gene: WWOX (WW domain containing oxidoreductase; plus strand). Cytogenetic location: 16q23.1.
Variant type: single nucleotide variant.
Coding change: c.547G>A on transcript NM_016373.4 (MANE Select); coding-DNA position 547, G replaced by A.
Protein change: p.Asp183Asn; replaces aspartic acid 183 with asparagine.
Molecular consequence: missense variant.
Genome position (GRCh38, 1-based): chr16:78,386,890, G>A. VCF-style: chr16-78386890-G-A. GRCh37 (hg19) VCF-style: chr16-78420787-G-A.
Other names: c.208G>A, p.Asp70Asn (NM_001291997.2); short protein forms D183N, D70N.
Identifiers: ClinVar variation 260741 (VCV000260741.16), dbSNP rs74944733, ClinGen allele CA8183327.